The following is an entry in ClinVar:

ClinVar aggregate classification (germline): Uncertain significance (1 of 4 stars; one submission).

Conditions:
HTR2C-related disorder. Also called: HTR2C-related condition.

Submission:

PreventionGenetics, part of Exact Sciences
Classification: Uncertain significance for HTR2C-related condition. Last evaluated: 2026-06-02. Review status: criteria provided, single submitter. Criteria: ACMG Guidelines, 2015. Collection method: clinical testing. Allele origin: germline.
Comment: The HTR2C c.2T>A variant is predicted to disrupt the translation initiation site (Start Loss). To our knowledge, this variant has not been reported in the literature or in a large population database (gnomAD), indicating this variant is rare. At this time, the clinical significance of this variant is uncertain due to the absence of conclusive functional and genetic evidence.

NM_000868.4(HTR2C):c.2T>A (p.Met1Lys)

Gene: HTR2C (5-hydroxytryptamine receptor 2C; plus strand). Cytogenetic location: Xq23.
Variant type: single nucleotide variant.
Coding change: c.2T>A on transcript NM_000868.4 (MANE Select); coding-DNA position 2, T replaced by A.
Protein change: p.Met1Lys; changes the start codon (methionine 1).
Molecular consequence: missense variant, initiator codon variant.
Genome position (GRCh38, 1-based): chrX:114,726,938, T>A. VCF-style: chrX-114726938-T-A. GRCh37 (hg19) VCF-style: chrX-113961347-T-A.
Other names: c.2T>A, p.Met1Lys (NM_001256760.3, NM_001256761.3); short protein forms M1K.
Identifiers: ClinVar variation 4983111 (VCV004983111.1).